The following is an entry in ClinVar:

NM_007317.3(KIF22):c.1506G>A (p.Glu502=)

Gene: KIF22 (kinesin family member 22; plus strand). Cytogenetic location: 16p11.2.
Variant type: single nucleotide variant.
Coding change: c.1506G>A on transcript NM_007317.3 (MANE Select); coding-DNA position 1506, G replaced by A.
Protein change: p.Glu502=; no amino-acid change (glutamic acid 502 retained).
Molecular consequence: synonymous variant.
Genome position (GRCh38, 1-based): chr16:29,803,505, G>A. VCF-style: chr16-29803505-G-A. GRCh37 (hg19) VCF-style: chr16-29814826-G-A.
Other names: c.1302G>A, p.Glu434= (NM_001256269.2, NM_001256270.1).
Identifiers: ClinVar variation 193698 (VCV000193698.18), dbSNP rs111981375, ClinGen allele CA200735.
Genomic context (GRCh38, chr16:29,803,505, plus strand): 5'-ACAGAGGCTTAAGACGAAGCAAAAAGAACTGGAGGCCAAGATGTTGGCCCAGAAGGCTGA[G>A]GAAAAGGAGAACCATTGTCCCACAATGCTCCGGCCCCTTTCACATCGCACAGTCACAGGG-3'
Protein context (NP_015556.1, residues 492-512): LEAKMLAQKA[Glu502=]EKENHCPTML

ClinVar aggregate classification (germline): Benign/Likely benign. Review status: criteria provided, multiple submitters, no conflicts (2 of 4 stars). 5 submissions from 5 submitters: Benign (3); Likely benign (1). 1 of the submissions does not count toward it. Last evaluated 2026-01-27.

Conditions:
KIF22-related disorder. Also called: KIF22-related condition.

Allele frequency attached by ClinVar (database versions not stated): gnomAD exomes 0.00013 and 0.00035; ExAC 0.00042; 1000 Genomes Project 0.00120; gnomAD 0.00139 and 0.00151; 1000 Genomes Project 30x 0.00141; ESP Exome Variant Server 0.00146; TOPMed 0.00148.

Submissions (5):

Labcorp Genetics (formerly Invitae), Labcorp
Classification: Benign. Last evaluated: 2026-01-27. Review status: criteria provided, single submitter. Criteria: Invitae Variant Classification Sherloc (09022015). Collection method: clinical testing. Allele origin: germline.

Blueprint Genetics
Classification: Likely benign. Last evaluated: 2024-09-18. Review status: criteria provided, single submitter. Criteria: ACMG Guidelines, 2015. Collection method: clinical testing. Allele origin: germline.

Eurofins Ntd Llc (ga)
Classification: Benign. Last evaluated: 2015-02-10. Review status: criteria provided, single submitter. Criteria: EGL Classification Definitions 2015. Collection method: clinical testing. Allele origin: germline. Observed: 1 variant allele, 1 heterozygote.

Breakthrough Genomics
Classification: Benign. Review status: criteria provided, single submitter. Criteria: ACMG Guidelines, 2015. Collection method: not provided. Allele origin: germline. Inheritance: Autosomal dominant inheritance. Affected: yes.

PreventionGenetics, part of Exact Sciences
Classification: Benign for KIF22-related condition. Last evaluated: 2024-09-13. Review status: no assertion criteria provided. Collection method: clinical testing. Allele origin: germline. Not counted in ClinVar's aggregate classification.
Comment: This variant is classified as benign based on ACMG/AMP sequence variant interpretation guidelines (Richards et al. 2015 PMID: 25741868, with internal and published modifications).